The following is an entry in ClinVar:

ClinVar aggregate classification (germline): Uncertain significance (1 of 4 stars; one submission).

Allele frequency attached by ClinVar (database versions not stated): TOPMed 0.00001; gnomAD exomes 0.00002.
gnomAD v4.1: 23 of 1,550,942 alleles (0.0015%); highest among the groups gnomAD compares: Non-Finnish European, 0.0019%; no homozygotes.

Submission:

Labcorp Genetics (formerly Invitae), Labcorp
Classification: Uncertain significance. Last evaluated: 2021-08-26. Review status: criteria provided, single submitter. Criteria: Invitae Variant Classification Sherloc (09022015). Collection method: clinical testing. Allele origin: germline.
Comment: This sequence change replaces asparagine with serine at codon 1205 of the EYS protein (p.Asn1205Ser). The asparagine residue is highly conserved and there is a small physicochemical difference between asparagine and serine. This variant is not present in population databases (ExAC no frequency). This variant has not been reported in the literature in individuals affected with EYS-related conditions. Algorithms developed to predict the effect of missense changes on protein structure and function output the following: SIFT: "Tolerated"; PolyPhen-2: "Benign"; Align-GVGD: "Class C0". The serine amino acid residue is found in multiple mammalian species, which suggests that this missense change does not adversely affect protein function. In summary, the available evidence is currently insufficient to determine the role of this variant in disease. Therefore, it has been classified as a Variant of Uncertain Significance.

NM_001142800.2(EYS):c.3614A>G (p.Asn1205Ser)

Gene: EYS (eyes shut homolog; minus strand). Cytogenetic location: 6q12.
Variant type: single nucleotide variant.
Coding change: c.3614A>G on transcript NM_001142800.2 (MANE Select); coding-DNA position 3614, A replaced by G.
Protein change: p.Asn1205Ser; replaces asparagine 1205 with serine.
Molecular consequence: missense variant.
Genome position (GRCh38, 1-based): chr6:64,617,488, T>C on the plus strand (A>G on the coding strand, the complement: EYS is on the minus strand). VCF-style: chr6-64617488-T-C. GRCh37 (hg19) VCF-style: chr6-65327381-T-C.
Other names: c.3614A>G, p.Asn1205Ser (NM_001292009.2); short protein forms N1205S.
Identifiers: ClinVar variation 948051 (VCV000948051.7), dbSNP rs1767311557, ClinGen allele CA364785126.